The following is an entry in ClinVar:

ClinVar aggregate classification (germline): Conflicting classifications of pathogenicity. Review status: criteria provided, conflicting classifications (1 of 4 stars). 9 submissions from 8 submitters: Likely pathogenic (6); Uncertain significance (3). Last evaluated 2025-12-09.

Conditions:
Usher syndrome. Also called: Usher's syndrome; Usher Syndromes. Identifiers: Orphanet 886, MedGen CN469326, MeSH D052245, MONDO:0019501. Disease mechanism: loss of function.
Usher syndrome type 2A. Also called: USHER SYNDROME, TYPE IIA; RETINAL DISEASE IN USHER SYNDROME TYPE IIA, MODIFIER OF. Identifiers: Orphanet 231178, Orphanet 886, MedGen C1848634, MONDO:0010169, OMIM 276901.
Retinitis pigmentosa 39 (RP39). Identifiers: Orphanet 791, MedGen C3151138, MONDO:0013436, OMIM 613809.

Allele frequency attached by ClinVar (database versions not stated): TOPMed below 0.00001.
gnomAD v4.1: 2 of 1,613,790 alleles (0.00012%); highest among the groups gnomAD compares: African/African-American, 0.0013%; no homozygotes.

Submissions (9):

Genetics Research Center, University of Social Welfare and Rehabilitation Sciences
Classification: Likely pathogenic for Usher syndrome type 2A. Last evaluated: 2025-12-09. Review status: criteria provided, single submitter. Criteria: ACMG Guidelines, 2015. Collection method: research. Allele origin: germline. Affected: yes.
Comment: This heterozygous variant is not present in the gnomAD v2.1.1 dataset. Previous studies have reported its association with USH2A-related disorders (PMID:30902645, 33576794, 34148116, 30337596, 34148116). Other variant(s) that disrupt this residue have been determined to be pathogenic (PMID: 30902645, 33576794). Prediction tools support the deleterious effect of the variant.

Women's Health and Genetics/Laboratory Corporation of America, LabCorp
Classification: Likely pathogenic for Usher syndrome. Last evaluated: 2025-09-04. Review status: criteria provided, single submitter. Criteria: LabCorp Variant Classification Summary - May 2015. Collection method: clinical testing. Allele origin: germline.
Comment: Variant summary: USH2A c.1571C>T (p.Ala524Val) results in a non-conservative amino acid change in the encoded protein sequence. Algorithms developed to predict the effect of missense changes on protein structure and function all suggest that this variant is likely to be disruptive. The variant was absent in 250958 control chromosomes. c.1571C>T has been observed in compound heterozygous individuals affected with retinitis pigmentosa or Usher Syndrome (e.g. Bahena_2022, Martin-Merida_2019). These data indicate that the variant may be associated with disease. To our knowledge, no experimental evidence demonstrating an impact on protein function has been reported. A different variant affecting the same codon (c.1571C>A, p.Ala524Asp) has been classified as Likely pathogenic/Pathogenic in ClinVar, suggesting a critical role of codon 524 in USH2A protein function. The following publications have been ascertained in the context of this evaluation (PMID: 34148116, 30902645). ClinVar contains an entry for this variant (Variation ID: 634644). Based on the evidence outlined above, the variant was classified as likely pathogenic.

Natera, Inc.
Classification: Likely pathogenic for Usher syndrome type 2A. Last evaluated: 2025-01-21. Review status: criteria provided, single submitter. Criteria: Natera Variant Classification Schema (03/2026). Collection method: clinical testing. Allele origin: germline.
Comment: The c.1571C>T variant in USH2A is a missense variant predicted to cause substitution of alanine to valine at amino acid 524. This variant is rare in the general population with a frequency below the threshold expected for the associated phenotype(s). This variant has been observed in one or more individuals affected with the associated recessive disease, as either homozygous or compound heterozygous with a second variant (PMID: 34148116). Given the available evidence, this variant is classified as Likely Pathogenic.

Labcorp Genetics (formerly Invitae), Labcorp
Classification: Likely pathogenic. Last evaluated: 2024-11-05. Review status: criteria provided, single submitter. Criteria: Invitae Variant Classification Sherloc (09022015). Collection method: clinical testing. Allele origin: germline.
Comment: This sequence change replaces alanine, which is neutral and non-polar, with valine, which is neutral and non-polar, at codon 524 of the USH2A protein (p.Ala524Val). This variant is not present in population databases (gnomAD no frequency). This missense change has been observed in individual(s) with clinical features of Usher syndrome and/or retinitis pigmentosa (PMID: 30902645, 34148116). ClinVar contains an entry for this variant (Variation ID: 634644). Invitae Evidence Modeling of protein sequence and biophysical properties (such as structural, functional, and spatial information, amino acid conservation, physicochemical variation, residue mobility, and thermodynamic stability) has been performed for this missense variant. However, the output from this modeling did not meet the statistical confidence thresholds required to predict the impact of this variant on USH2A protein function. This variant disrupts the p.Ala524 amino acid residue in USH2A. Other variant(s) that disrupt this residue have been determined to be pathogenic (PMID: 30902645, 33576794). This suggests that this residue is clinically significant, and that variants that disrupt this residue are likely to be disease-causing. In summary, the currently available evidence indicates that the variant is pathogenic, but additional data are needed to prove that conclusively. Therefore, this variant has been classified as Likely Pathogenic.

Baylor Genetics
Classification: Likely pathogenic for Retinitis pigmentosa 39. Last evaluated: 2024-02-28. Review status: criteria provided, single submitter. Criteria: ACMG Guidelines, 2015. Collection method: clinical testing. Allele origin: unknown.

Genome-Nilou Lab
Classification: Uncertain significance for Usher syndrome type 2A. Last evaluated: 2021-07-22. Review status: criteria provided, single submitter. Criteria: ACMG Guidelines, 2015. Collection method: clinical testing. Allele origin: germline. Affected: no.

Genome-Nilou Lab
Classification: Uncertain significance for Retinitis pigmentosa 39. Last evaluated: 2021-07-22. Review status: criteria provided, single submitter. Criteria: ACMG Guidelines, 2015. Collection method: clinical testing. Allele origin: germline. Affected: no.

Genomic Research Center, Shahid Beheshti University of Medical Sciences
Classification: Uncertain significance for Usher syndrome, type 2A. Last evaluated: 2019-01-01. Review status: criteria provided, single submitter. Criteria: ACMG Guidelines, 2015. Collection method: clinical testing. Allele origin: inherited. Affected: yes. Observed: 1 variant allele.

Kariminejad - Najmabadi Pathology & Genetics Center
Classification: Likely pathogenic for Usher syndrome type 2A. Review status: criteria provided, single submitter. Criteria: ACMG Guidelines, 2015. Collection method: clinical testing. Allele origin: germline. Affected: no.

Literature cited by the submitters: PubMed 30902645 (cited by 3 submitters); PubMed 33576794 (cited by Genetics Research Center, University of Social Welfare and Rehabilitation Sciences and Labcorp Genetics (formerly Invitae), Labcorp); PubMed 34148116 (cited by 4 submitters); PubMed 30337596 (cited by Genetics Research Center, University of Social Welfare and Rehabilitation Sciences).

NM_206933.4(USH2A):c.1571C>T (p.Ala524Val)

Gene: USH2A (usherin; minus strand). Cytogenetic location: 1q41.
Variant type: single nucleotide variant.
Coding change: c.1571C>T on transcript NM_206933.4 (MANE Select); coding-DNA position 1571, C replaced by T.
Protein change: p.Ala524Val; replaces alanine 524 with valine.
Molecular consequence: missense variant.
Genome position (GRCh38, 1-based): chr1:216,321,956, G>A on the plus strand (C>T on the coding strand, the complement: USH2A is on the minus strand). VCF-style: chr1-216321956-G-A. GRCh37 (hg19) VCF-style: chr1-216495298-G-A.
Other names: c.1571C>T, p.Ala524Val (NM_007123.6); short protein forms A524V.
Identifiers: ClinVar variation 634644 (VCV000634644.16), dbSNP rs772624410, ClinGen allele CA344908034.